The following is an entry in ClinVar:

NM_181697.3(PRDX1):c.457G>C (p.Val153Leu)

Gene: PRDX1 (peroxiredoxin 1; minus strand). Cytogenetic location: 1p34.1.
Variant type: single nucleotide variant.
Coding change: c.457G>C on transcript NM_181697.3 (MANE Select); coding-DNA position 457, G replaced by C.
Protein change: p.Val153Leu; replaces valine 153 with leucine.
Molecular consequence: missense variant.
Genome position (GRCh38, 1-based): chr1:45,514,564, C>G on the plus strand (G>C on the coding strand, the complement: PRDX1 is on the minus strand). VCF-style: chr1-45514564-C-G. GRCh37 (hg19) VCF-style: chr1-45980236-C-G.
Other names: c.457G>C (NM_002574.3); c.457G>C, p.Val153Leu (NM_001202431.2, NM_002574.4, NM_181696.3); short protein forms V153L.
Identifiers: ClinVar variation 1351486 (VCV001351486.4), dbSNP rs199666364, ClinGen allele CA827956.

ClinVar aggregate classification (germline): Uncertain significance. Review status: criteria provided, multiple submitters, no conflicts (2 of 4 stars). 2 submissions from 2 submitters: Uncertain significance (2). Last evaluated 2025-08-03.

Conditions:
Inborn genetic diseases. Identifiers: MedGen C0950123, MeSH D030342.

Allele frequency attached by ClinVar (database versions not stated): ExAC 0.00002; gnomAD exomes 0.00002 and 0.00003; gnomAD 0.00036 and 0.00038; 1000 Genomes Project 0.00060; TOPMed 0.00077; 1000 Genomes Project 30x 0.00078.

Submissions (2):

Ambry Genetics
Classification: Uncertain significance for Inborn genetic diseases. Last evaluated: 2025-08-03. Review status: criteria provided, single submitter. Criteria: Ambry Variant Classification Scheme 2023. Collection method: clinical testing. Allele origin: germline.

Labcorp Genetics (formerly Invitae), Labcorp
Classification: Uncertain significance. Last evaluated: 2022-04-21. Review status: criteria provided, single submitter. Criteria: Invitae Variant Classification Sherloc (09022015). Collection method: clinical testing. Allele origin: germline.
Comment: This sequence change replaces valine, which is neutral and non-polar, with leucine, which is neutral and non-polar, at codon 153 of the PRDX1 protein (p.Val153Leu). This variant is present in population databases (rs199666364, gnomAD 0.02%). This variant has not been reported in the literature in individuals affected with PRDX1-related conditions. Algorithms developed to predict the effect of missense changes on protein structure and function are either unavailable or do not agree on the potential impact of this missense change (SIFT: "Deleterious"; PolyPhen-2: "Benign"; Align-GVGD: "Class C0"). In summary, the available evidence is currently insufficient to determine the role of this variant in disease. Therefore, it has been classified as a Variant of Uncertain Significance.